The following is an entry in ClinVar:

ClinVar aggregate classification (germline): Pathogenic (1 of 4 stars; one submission).

Conditions:
Peroxisome biogenesis disorder. Identifiers: Orphanet 79189, MedGen C1832200, MONDO:0019234. Disease mechanism: loss of function.

Submission:

Myriad Genetics, Inc.
Classification: Pathogenic for Peroxisome biogenesis disorder. Last evaluated: 2024-12-30. Review status: criteria provided, single submitter. Criteria: Myriad Autosomal Dominant, Autosomal Recessive and X-Linked Classification Criteria (2023). Collection method: clinical testing. Allele origin: unknown.
Comment: NM_000466.2(PEX1):c.726delA(A243Qfs*6) is expected to be pathogenic in the context of peroxisome biogenesis disorder type 1. This variant is predicted to lead to an abnormal or absent protein product due to the creation of a premature termination codon in PEX1, a gene where loss-of-function variants are known to be pathogenic. Please note: this variant was assessed in the context of healthy population screening.

NM_000466.3(PEX1):c.726del (p.Ala243fs)

Gene: PEX1 (peroxisomal biogenesis factor 1; minus strand). Cytogenetic location: 7q21.2.
Variant type: Deletion.
Coding change: c.726del on transcript NM_000466.3 (MANE Select); coding-DNA position 726, one base deleted (A; older notation c.726delA).
Protein change: p.Ala243fs; shifts the reading frame from alanine 243.
Molecular consequence: frameshift variant.
Genome position (GRCh38, 1-based): chr7:92,517,789, T deleted on the plus strand (A on the coding strand, the reverse complement: PEX1 is on the minus strand). VCF-style (leftmost placement, unchanged base first): chr7-92517788-CT-C. GRCh37 (hg19) VCF-style: chr7-92147102-CT-C.
Other names: c.726del, p.Ala243fs (NM_001282677.2); c.102del, p.Ala35fs (NM_001282678.2); short protein forms A243fs, A35fs.
Identifiers: ClinVar variation 5013899 (VCV005013899.1).
Genomic context (GRCh38, chr7:92,517,788, plus strand): 5'-TCTCTTGTTTCTTCTCAGATTGAAAGGAAAAAATGCTTCCTATCATAGTCCATAAACTTG[CT>C]ACTGATGATGAGTCAACTGGAATCTCTGACTCGTTTTCATTAGATTCAGTGATTCCCACA-3'